The following is an entry in ClinVar:

ClinVar aggregate classification (germline): Likely pathogenic (1 of 4 stars; one submission).

Conditions:
Dilated cardiomyopathy 1G (CMD1G). Identifiers: Orphanet 154, MedGen C1858763, MONDO:0011400, OMIM 604145.
Autosomal recessive limb-girdle muscular dystrophy type 2J (LGMDR10). Also called: Limb-girdle muscular dystrophy, type 2J; MUSCULAR DYSTROPHY, LIMB-GIRDLE, AUTOSOMAL RECESSIVE 10. Identifiers: Orphanet 140922, MedGen C1837342, MONDO:0012127, OMIM 608807.

Submission:

Labcorp Genetics (formerly Invitae), Labcorp
Classification: Likely pathogenic for Dilated cardiomyopathy 1G; Autosomal recessive limb-girdle muscular dystrophy type 2J. Last evaluated: 2024-08-08. Review status: criteria provided, single submitter. Criteria: Invitae Variant Classification Sherloc (09022015). Collection method: clinical testing. Allele origin: germline.
Comment: This sequence change creates a premature translational stop signal (p.Tyr9182*) in the TTN gene. While this is not anticipated to result in nonsense mediated decay, it is expected to create a truncated TTN protein. This variant is not present in population databases (gnomAD no frequency). This variant has not been reported in the literature in individuals affected with TTN-related conditions. Algorithms developed to predict the effect of sequence changes on RNA splicing suggest that this variant may disrupt the consensus splice site. This variant is located in the I band of TTN (PMID: 25589632). Truncating variants in this region have been reported in individuals affected with autosomal recessive centronuclear myopathy (PMID: 23975875, Invitae internal data). Truncating variants in this region have also been identified in individuals affected with autosomal dominant dilated cardiomyopathy and/or cardio-related conditions (PMID: 27869827, 32964742, Invitae internal data). In summary, the currently available evidence indicates that the variant is pathogenic, but additional data are needed to prove that conclusively. Therefore, this variant has been classified as Likely Pathogenic.

Literature cited by the submitters: PubMed 25589632; PubMed 23975875; PubMed 27869827; PubMed 32964742.

NM_001267550.2(TTN):c.27546C>G (p.Tyr9182Ter)

Gene: TTN (titin; minus strand). Cytogenetic location: 2q31.2.
Variant type: single nucleotide variant.
Coding change: c.27546C>G on transcript NM_001267550.2 (MANE Select); coding-DNA position 27546, C replaced by G.
Protein change: p.Tyr9182Ter; replaces tyrosine 9182 with a stop codon.
Molecular consequence: nonsense. On other transcripts: intron variant (3).
Genome position (GRCh38, 1-based): chr2:178,712,376, G>C on the plus strand (C>G on the coding strand, the complement: TTN is on the minus strand). VCF-style: chr2-178712376-G-C. GRCh37 (hg19) VCF-style: chr2-179577103-G-C.
Other names: c.26595C>G, p.Tyr8865Ter (NM_001256850.1); c.23814C>G, p.Tyr7938Ter (NM_133378.4); c.13282+25706C>G (NM_003319.4); c.13858+25706C>G (NM_133437.4); c.13657+25706C>G (NM_133432.3); short protein forms Y7938*, Y8865*, Y9182*.
Identifiers: ClinVar variation 3755662 (VCV003755662.2).